The following is an entry in ClinVar:

ClinVar aggregate classification (germline): Likely pathogenic (1 of 4 stars; one submission).

Conditions:
Lynch syndrome 4 (LYNCH4). Also called: Hereditary non-polyposis colorectal cancer, type 4; Colorectal cancer, hereditary nonpolyposis, type 4. Identifiers: Orphanet 144, MedGen C1838333, MONDO:0013699, OMIM 614337. Disease mechanism: loss of function.

Submission:

Myriad Genetics, Inc.
Classification: Likely pathogenic for Lynch syndrome 4. Last evaluated: 2023-09-25. Review status: criteria provided, single submitter. Criteria: Myriad Autosomal Dominant, Autosomal Recessive and X-Linked Classification Criteria (2023). Collection method: clinical testing. Allele origin: unknown.
Comment: This variant is considered likely pathogenic. Functional studies indicate this variant impacts protein function [PMID: 18619468]. This variant is expected to disrupt protein structure [Myriad internal data].

Literature cited by the submitters: PubMed 18619468.

NM_000535.7(PMS2):c.2528G>C (p.Cys843Ser)

Gene: PMS2 (PMS1 homolog 2, mismatch repair system component; minus strand). Cytogenetic location: 7p22.1.
Variant type: single nucleotide variant.
Coding change: c.2528G>C on transcript NM_000535.7 (MANE Select); coding-DNA position 2528, G replaced by C.
Protein change: p.Cys843Ser; replaces cysteine 843 with serine.
Molecular consequence: missense variant. On other transcripts: non-coding transcript variant (1).
Genome position (GRCh38, 1-based): chr7:5,973,460, C>G on the plus strand (G>C on the coding strand, the complement: PMS2 is on the minus strand). VCF-style: chr7-5973460-C-G. GRCh37 (hg19) VCF-style: chr7-6013091-C-G.
Other names: c.2219G>C, p.Cys740Ser (NM_001406882.1, NM_001322015.2, NM_001406877.1 and 4 more transcripts); c.2210G>C, p.Cys737Ser (NM_001406883.1, NM_001322007.2, NM_001322008.2); c.2204G>C, p.Cys735Ser (NM_001406884.1); c.2192G>C, p.Cys731Ser (NM_001406885.1); c.2162G>C, p.Cys721Ser (NM_001406886.1); c.2156G>C, p.Cys719Ser (NM_001406887.1, NM_001406888.1, NM_001322009.2); c.2123G>C, p.Cys708Ser (NM_001406890.1, NM_001406891.1, NM_001406894.1 and 12 more transcripts); c.2042G>C, p.Cys681Ser (NM_001406903.1); and 20 more; short protein forms C851S, C854S, C905S, C442S, C532S, C586S, C604S, C652S.
Identifiers: ClinVar variation 2674192 (VCV002674192.1), dbSNP rs267608174, ClinGen allele CA366734860.
Genomic context (GRCh38, chr7:5,973,460, plus strand): 5'-CAGTTCTGAGAAATGACACCCAGGTTGGCGATGTGTCTCATGGTTGGCCTTCCATGGGGA[C>G]AGTTCCAGGGGTGGTCCATCTCCCCCATGTGGGTGATCAGTTTCTTCATCTCGCTTGTGT-3'
Protein context (NP_000526.2, residues 833-853): HMGEMDHPWN[Cys843Ser]PHGRPTMRHI